The following is an entry in ClinVar:

ClinVar aggregate classification (germline): Uncertain significance (1 of 4 stars; one submission).

Conditions:
Inborn genetic diseases. Identifiers: MedGen C0950123, MeSH D030342.

gnomAD v4.1: 1 of 1,613,966 alleles (0.000062%); highest among the groups gnomAD compares: Non-Finnish European, 0.000085%; no homozygotes.

Submission:

Ambry Genetics
Classification: Uncertain significance for Inborn genetic diseases. Last evaluated: 2025-02-14. Review status: criteria provided, single submitter. Criteria: Ambry Variant Classification Scheme 2023. Collection method: clinical testing. Allele origin: germline.
Comment: The p.S606P variant (also known as c.1816T>C), located in coding exon 20 of the FANCA gene, results from a T to C substitution at nucleotide position 1816. The serine at codon 606 is replaced by proline, an amino acid with similar properties. This amino acid position is conserved. In addition, the in silico prediction for this alteration is inconclusive. Based on the available evidence, the clinical significance of this variant remains unclear.

NM_000135.4(FANCA):c.1816T>C (p.Ser606Pro)

Gene: FANCA (FA complementation group A; minus strand). Cytogenetic location: 16q24.3.
Variant type: single nucleotide variant.
Coding change: c.1816T>C on transcript NM_000135.4 (MANE Select); coding-DNA position 1816, T replaced by C.
Protein change: p.Ser606Pro; replaces serine 606 with proline.
Molecular consequence: missense variant.
Genome position (GRCh38, 1-based): chr16:89,778,811, A>G on the plus strand (T>C on the coding strand, the complement: FANCA is on the minus strand). VCF-style: chr16-89778811-A-G. GRCh37 (hg19) VCF-style: chr16-89845219-A-G.
Other names: c.1816T>C, p.Ser606Pro (NM_001286167.3); short protein forms S606P.
Identifiers: ClinVar variation 3848232 (VCV003848232.1).